The following is an entry in ClinVar:

NM_001254.4(CDC6):c.614G>A (p.Gly205Glu)

Gene: CDC6 (cell division cycle 6; plus strand). Cytogenetic location: 17q21.2.
Variant type: single nucleotide variant.
Coding change: c.614G>A on transcript NM_001254.4 (MANE Select); coding-DNA position 614, G replaced by A.
Protein change: p.Gly205Glu; replaces glycine 205 with glutamic acid.
Molecular consequence: missense variant.
Genome position (GRCh38, 1-based): chr17:40,291,622, G>A. VCF-style: chr17-40291622-G-A. GRCh37 (hg19) VCF-style: chr17-38447874-G-A.
Other names: short protein forms G205E.
Identifiers: ClinVar variation 2831900 (VCV002831900.3), dbSNP rs2544135004, ClinGen allele CA399328227.

ClinVar aggregate classification (germline): Uncertain significance (1 of 4 stars; one submission).

Submission:

Labcorp Genetics (formerly Invitae), Labcorp
Classification: Uncertain significance. Last evaluated: 2023-01-25. Review status: criteria provided, single submitter. Criteria: Invitae Variant Classification Sherloc (09022015). Collection method: clinical testing. Allele origin: germline.
Comment: This variant is not present in population databases (gnomAD no frequency). This sequence change replaces glycine, which is neutral and non-polar, with glutamic acid, which is acidic and polar, at codon 205 of the CDC6 protein (p.Gly205Glu). This variant has not been reported in the literature in individuals affected with CDC6-related conditions. Algorithms developed to predict the effect of missense changes on protein structure and function (SIFT, PolyPhen-2, Align-GVGD) all suggest that this variant is likely to be disruptive. In summary, the available evidence is currently insufficient to determine the role of this variant in disease. Therefore, it has been classified as a Variant of Uncertain Significance.